The following is an entry in ClinVar:

NM_022042.4(SLC26A1):c.731T>C (p.Met244Thr)

Genes: SLC26A1 (solute carrier family 26 member 1; minus strand), IDUA (alpha-L-iduronidase; plus strand). Cytogenetic location: 4p16.3.
Variant type: single nucleotide variant.
Coding change: c.731T>C on transcript NM_022042.4 (MANE Select); coding-DNA position 731, T replaced by C.
Protein change: p.Met244Thr; replaces methionine 244 with threonine.
Molecular consequence: missense variant. On other transcripts: intron variant (2).
Genome position (GRCh38, 1-based): chr4:990,208, A>G on the plus strand (T>C on the coding strand, the complement: SLC26A1 is on the minus strand). VCF-style: chr4-990208-A-G. GRCh37 (hg19) VCF-style: chr4-983996-A-G.
Other names: c.731T>C, p.Met244Thr (NM_213613.4); c.576+920T>C (NM_134425.4); c.299+2259A>G (NM_000203.5); short protein forms M244T.
Identifiers: ClinVar variation 64592 (VCV000064592.7), dbSNP rs374176452, ClinGen allele CA216470.

ClinVar aggregate classification (germline): Uncertain significance. Review status: criteria provided, multiple submitters, no conflicts (2 of 4 stars). 4 submissions from 4 submitters: Uncertain significance (3). 1 of the submissions does not count toward it. Last evaluated 2024-01-03.

Conditions:
Hypersulfaturia (HYSULF). Identifiers: MedGen C5830511, MONDO:0957268, OMIM 620372.
Nephrolithiasis susceptibility caused by SLC26A1 (CAON1). Also called: NEPHROLITHIASIS, CALCIUM OXALATE, 1. Identifiers: MedGen C5779632, MONDO:0020722, OMIM 167030.

Allele frequency attached by ClinVar (database versions not stated): gnomAD exomes 0.00002; TOPMed 0.00006; gnomAD 0.00007 and 0.00008; ESP Exome Variant Server 0.00008; ExAC 0.00009.
gnomAD v4.1: 106 of 1,563,186 alleles (0.0068%); highest among the groups gnomAD compares: Non-Finnish European, 0.0085%; no homozygotes.

Submissions (4):

Fulgent Genetics
Classification: Uncertain significance for Nephrolithiasis susceptibility caused by SLC26A1; Hypersulfaturia. Last evaluated: 2024-01-03. Review status: criteria provided, single submitter. Criteria: ACMG Guidelines, 2015. Collection method: clinical testing. Allele origin: germline.

Labcorp Genetics (formerly Invitae), Labcorp
Classification: Uncertain significance. Last evaluated: 2023-04-18. Review status: criteria provided, single submitter. Criteria: Invitae Variant Classification Sherloc (09022015). Collection method: clinical testing. Allele origin: germline.
Comment: In summary, the available evidence is currently insufficient to determine the role of this variant in disease. Therefore, it has been classified as a Variant of Uncertain Significance. Advanced modeling of protein sequence and biophysical properties (such as structural, functional, and spatial information, amino acid conservation, physicochemical variation, residue mobility, and thermodynamic stability) performed at Invitae indicates that this missense variant is not expected to disrupt SLC26A1 protein function. ClinVar contains an entry for this variant (Variation ID: 64592). This variant has not been reported in the literature in individuals affected with SLC26A1-related conditions. This variant is present in population databases (rs374176452, gnomAD 0.008%). This sequence change replaces methionine, which is neutral and non-polar, with threonine, which is neutral and polar, at codon 244 of the SLC26A1 protein (p.Met244Thr).

Breakthrough Genomics
Classification: Uncertain significance. Review status: criteria provided, single submitter. Criteria: ACMG Guidelines, 2015. Collection method: not provided. Allele origin: germline. Inheritance: Autosomal recessive inheritance. Affected: yes.

Martin Pollak Laboratory,  Beth Israel Deaconess Medical Center
Classification: Uncertain significance. Review status: no assertion criteria provided. Collection method: not provided. Allele origin: unknown. Not counted in ClinVar's aggregate classification.
Comment: Lower UCa2+ group
ClinVar note: Converted during submission from unknown to Uncertain significance.